The following is an entry in ClinVar:

NM_001267550.2(TTN):c.57344A>G (p.Tyr19115Cys)

Genes: TTN-AS1 (TTN antisense RNA 1; plus strand), TTN (titin; minus strand). Cytogenetic location: 2q31.2.
Variant type: single nucleotide variant.
Coding change: c.57344A>G on transcript NM_001267550.2 (MANE Select); coding-DNA position 57344, A replaced by G.
Protein change: p.Tyr19115Cys; replaces tyrosine 19115 with cysteine.
Molecular consequence: missense variant.
Genome position (GRCh38, 1-based): chr2:178,597,738, T>C on the plus strand (A>G on the coding strand, the complement: TTN is on the minus strand). VCF-style: chr2-178597738-T-C. GRCh37 (hg19) VCF-style: chr2-179462465-T-C.
Other names: c.52421A>G, p.Tyr17474Cys (NM_001256850.1); c.30149A>G, p.Tyr10050Cys (NM_003319.4); c.49640A>G, p.Tyr16547Cys (NM_133378.4); c.30524A>G, p.Tyr10175Cys (NM_133432.3); c.30725A>G, p.Tyr10242Cys (NM_133437.4); short protein forms Y10050C, Y10175C, Y10242C, Y16547C, Y17474C, Y19115C.
Identifiers: ClinVar variation 2672839 (VCV002672839.23), dbSNP rs1479994671, ClinGen allele CA349521393.

ClinVar aggregate classification (germline): Uncertain significance (1 of 4 stars; one submission).

Allele frequency attached by ClinVar (database versions not stated): TOPMed below 0.00001; gnomAD exomes 0.00001.
gnomAD v4.1: 4 of 1,613,228 alleles (0.00025%); highest among the groups gnomAD compares: Non-Finnish European, 0.00034%; no homozygotes.

Submission:

CeGaT Center for Human Genetics Tuebingen
Classification: Uncertain significance. Last evaluated: 2024-06-01. Review status: criteria provided, single submitter. Criteria: CeGaT Center For Human Genetics Tuebingen Variant Classification Criteria Version 2. Collection method: clinical testing. Allele origin: germline. Affected: yes. Observed: 2 variant alleles.
Comment: TTN: PM2